The following is an entry in ClinVar:

NM_020831.6(MRTFA):c.2213C>T (p.Pro738Leu)

Gene: MRTFA (myocardin related transcription factor A; minus strand). Cytogenetic location: 22q13.1.
Variant type: single nucleotide variant.
Coding change: c.2213C>T on transcript NM_020831.6 (MANE Select); coding-DNA position 2213, C replaced by T.
Protein change: p.Pro738Leu; replaces proline 738 with leucine.
Molecular consequence: missense variant.
Genome position (GRCh38, 1-based): chr22:40,418,525, G>A on the plus strand (C>T on the coding strand, the complement: MRTFA is on the minus strand). VCF-style: chr22-40418525-G-A. GRCh37 (hg19) VCF-style: chr22-40814529-G-A.
Other names: c.1913C>T, p.Pro638Leu (NM_001282660.2); c.2063C>T, p.Pro688Leu (NM_001282661.3); c.2213C>T, p.Pro738Leu (NM_001282662.3); c.2018C>T, p.Pro673Leu (NM_001318139.2); short protein forms P638L, P673L, P688L, P738L.
Identifiers: ClinVar variation 1682981 (VCV001682981.8), dbSNP rs923543379, ClinGen allele CA324467220.

ClinVar aggregate classification (germline): Uncertain significance (1 of 4 stars; one submission).

Allele frequency attached by ClinVar (database versions not stated): gnomAD exomes below 0.00001; TOPMed 0.00001.
gnomAD v4.1: 1 of 1,590,612 alleles (0.000063%); highest among the groups gnomAD compares: Admixed American, 0.0019%; no homozygotes.

Submission:

Labcorp Genetics (formerly Invitae), Labcorp
Classification: Uncertain significance. Last evaluated: 2022-06-03. Review status: criteria provided, single submitter. Criteria: Invitae Variant Classification Sherloc (09022015). Collection method: clinical testing. Allele origin: germline.
Comment: This variant is present in population databases (no rsID available, gnomAD 0.004%). This sequence change replaces proline, which is neutral and non-polar, with leucine, which is neutral and non-polar, at codon 638 of the MKL1 protein (p.Pro638Leu). This variant has not been reported in the literature in individuals affected with MKL1-related conditions. In summary, the available evidence is currently insufficient to determine the role of this variant in disease. Therefore, it has been classified as a Variant of Uncertain Significance. Algorithms developed to predict the effect of missense changes on protein structure and function are either unavailable or do not agree on the potential impact of this missense change (SIFT: "Deleterious"; PolyPhen-2: "Probably Damaging"; Align-GVGD: "Class C0").